The following is an entry in ClinVar:

NM_144499.3(GNAT1):c.67G>A (p.Ala23Thr)

Gene: GNAT1 (G protein subunit alpha transducin 1; plus strand). Cytogenetic location: 3p21.31.
Variant type: single nucleotide variant.
Coding change: c.67G>A on transcript NM_144499.3 (MANE Select); coding-DNA position 67, G replaced by A.
Protein change: p.Ala23Thr; replaces alanine 23 with threonine.
Molecular consequence: missense variant.
Genome position (GRCh38, 1-based): chr3:50,191,792, G>A. VCF-style: chr3-50191792-G-A. GRCh37 (hg19) VCF-style: chr3-50229225-G-A.
Other names: c.67G>A, p.Ala23Thr (NM_000172.4); short protein forms A23T.
Identifiers: ClinVar variation 3012760 (VCV003012760.3), dbSNP rs1053549443, ClinGen allele CA74598344.

ClinVar aggregate classification (germline): Uncertain significance (1 of 4 stars; one submission).

Allele frequency attached by ClinVar (database versions not stated): TOPMed 0.00002; gnomAD 0.00002.
gnomAD v4.1: 36 of 1,613,768 alleles (0.0022%); highest among the groups gnomAD compares: African/African-American, 0.0053%; no homozygotes.

Submission:

Labcorp Genetics (formerly Invitae), Labcorp
Classification: Uncertain significance. Last evaluated: 2025-09-02. Review status: criteria provided, single submitter. Criteria: Invitae Variant Classification Sherloc (09022015). Collection method: clinical testing. Allele origin: germline.
Comment: This sequence change replaces alanine, which is neutral and non-polar, with threonine, which is neutral and polar, at codon 23 of the GNAT1 protein (p.Ala23Thr). This variant is present in population databases (no rsID available, gnomAD 0.01%). This variant has not been reported in the literature in individuals affected with GNAT1-related conditions. ClinVar contains an entry for this variant (Variation ID: 3012760). Invitae Evidence Modeling of protein sequence and biophysical properties (such as structural, functional, and spatial information, amino acid conservation, physicochemical variation, residue mobility, and thermodynamic stability) indicates that this missense variant is not expected to disrupt GNAT1 protein function with a negative predictive value of 80%. In summary, the available evidence is currently insufficient to determine the role of this variant in disease. Therefore, it has been classified as a Variant of Uncertain Significance.